The following is an entry in ClinVar:

NM_024537.4(CARS2):c.521C>A (p.Ser174Tyr)

Gene: CARS2 (cysteinyl-tRNA synthetase 2, mitochondrial; minus strand). Cytogenetic location: 13q34.
Variant type: single nucleotide variant.
Coding change: c.521C>A on transcript NM_024537.4 (MANE Select); coding-DNA position 521, C replaced by A.
Protein change: p.Ser174Tyr; replaces serine 174 with tyrosine.
Molecular consequence: missense variant. On other transcripts: 5 prime UTR variant (1), non-coding transcript variant (2).
Genome position (GRCh38, 1-based): chr13:110,687,771, G>T on the plus strand (C>A on the coding strand, the complement: CARS2 is on the minus strand). VCF-style: chr13-110687771-G-T. GRCh37 (hg19) VCF-style: chr13-111340118-G-T.
Other names: c.-479C>A (NM_001352252.2); c.521C>A, p.Ser174Tyr (NM_001352253.3); short protein forms S174Y.
Identifiers: ClinVar variation 938198 (VCV000938198.9), dbSNP rs1393002060, ClinGen allele CA388738242.

ClinVar aggregate classification (germline): Uncertain significance (1 of 4 stars; one submission).

Conditions:
Combined oxidative phosphorylation defect type 27. Also called: Combined oxidative phosphorylation deficiency 27. Identifiers: Orphanet 477774, MedGen C5567608, MONDO:0014728, OMIM 616672.

Allele frequency attached by ClinVar (database versions not stated): gnomAD 0.00001; gnomAD exomes 0.00001; TOPMed 0.00001.
gnomAD v4.1: 6 of 1,612,348 alleles (0.00037%); highest among the groups gnomAD compares: Non-Finnish European, 0.00051%; no homozygotes.

Submission:

Labcorp Genetics (formerly Invitae), Labcorp
Classification: Uncertain significance for Combined oxidative phosphorylation defect type 27. Last evaluated: 2020-12-29. Review status: criteria provided, single submitter. Criteria: Invitae Variant Classification Sherloc (09022015). Collection method: clinical testing. Allele origin: germline.
Comment: This sequence change replaces serine with tyrosine at codon 174 of the CARS2 protein (p.Ser174Tyr). The serine residue is moderately conserved and there is a large physicochemical difference between serine and tyrosine. In summary, the available evidence is currently insufficient to determine the role of this variant in disease. Therefore, it has been classified as a Variant of Uncertain Significance. Algorithms developed to predict the effect of missense changes on protein structure and function are either unavailable or do not agree on the potential impact of this missense change (SIFT: "Deleterious"; PolyPhen-2: "Possibly Damaging"; Align-GVGD: "Class C0"). This variant has not been reported in the literature in individuals with CARS2-related conditions. This variant is not present in population databases (ExAC no frequency).